The following is an entry in ClinVar:

ClinVar aggregate classification (germline): Uncertain significance (1 of 4 stars; one submission).

Allele frequency attached by ClinVar (database versions not stated): gnomAD 0.00001; TOPMed 0.00001.

Submission:

Labcorp Genetics (formerly Invitae), Labcorp
Classification: Uncertain significance. Last evaluated: 2023-11-19. Review status: criteria provided, single submitter. Criteria: Invitae Variant Classification Sherloc (09022015). Collection method: clinical testing. Allele origin: germline.
Comment: This sequence change replaces valine, which is neutral and non-polar, with isoleucine, which is neutral and non-polar, at codon 28 of the GNB3 protein (p.Val28Ile). This variant is present in population databases (rs782608914, gnomAD 0.01%). This variant has not been reported in the literature in individuals affected with GNB3-related conditions. ClinVar contains an entry for this variant (Variation ID: 1022327). Advanced modeling of protein sequence and biophysical properties (such as structural, functional, and spatial information, amino acid conservation, physicochemical variation, residue mobility, and thermodynamic stability) performed at Invitae indicates that this missense variant is not expected to disrupt GNB3 protein function with a negative predictive value of 80%. In summary, the available evidence is currently insufficient to determine the role of this variant in disease. Therefore, it has been classified as a Variant of Uncertain Significance.

NM_002075.4(GNB3):c.82G>A (p.Val28Ile)

Gene: GNB3 (G protein subunit beta 3; plus strand). Cytogenetic location: 12p13.31.
Variant type: single nucleotide variant.
Coding change: c.82G>A on transcript NM_002075.4 (MANE Select); coding-DNA position 82, G replaced by A.
Protein change: p.Val28Ile; replaces valine 28 with isoleucine.
Molecular consequence: missense variant.
Genome position (GRCh38, 1-based): chr12:6,841,610, G>A. VCF-style: chr12-6841610-G-A. GRCh37 (hg19) VCF-style: chr12-6950774-G-A.
Other names: c.82G>A, p.Val28Ile (NM_001297571.2); short protein forms V28I.
Identifiers: ClinVar variation 1022327 (VCV001022327.8), dbSNP rs782608914, ClinGen allele CA6417365.